The following is an entry in ClinVar:

ClinVar aggregate classification (germline): Uncertain significance (1 of 4 stars; one submission).

Conditions:
Hypertrophic cardiomyopathy 26. Also called: Cardiomyopathy, familial hypertrophic, 26. Identifiers: Orphanet 75249, MedGen C4310749, MONDO:0014883, OMIM 617047.
Myofibrillar myopathy 5. Also called: Filaminopathy (type); FILAMINOPATHY, AUTOSOMAL DOMINANT. Identifiers: Orphanet 171445, MedGen C1836050, MONDO:0012289, OMIM 609524.
Distal myopathy with posterior leg and anterior hand involvement. Also called: WILLIAMS DISTAL MYOPATHY. Identifiers: Orphanet 63273, MedGen C3279722, MONDO:0013550, OMIM 614065.

Submission:

Labcorp Genetics (formerly Invitae), Labcorp
Classification: Uncertain significance for Distal myopathy with posterior leg and anterior hand involvement; Myofibrillar myopathy 5; Hypertrophic cardiomyopathy 26. Last evaluated: 2026-01-12. Review status: criteria provided, single submitter. Criteria: Invitae Variant Classification Sherloc (09022015). Collection method: clinical testing. Allele origin: germline.
Comment: This sequence change replaces glutamic acid, which is acidic and polar, with lysine, which is basic and polar, at codon 2192 of the FLNC protein (p.Glu2192Lys). This variant is not present in population databases (gnomAD no frequency). This variant has not been reported in the literature in individuals affected with FLNC-related conditions. ClinVar contains an entry for this variant (Variation ID: 2953353). An algorithm developed to predict the effect of missense changes on protein structure and function (PolyPhen-2) suggests that this variant is likely to be tolerated. In summary, the available evidence is currently insufficient to determine the role of this variant in disease. Therefore, it has been classified as a Variant of Uncertain Significance.

NM_001458.5(FLNC):c.6574G>A (p.Glu2192Lys)

Genes: FLNC (filamin C; plus strand), FLNC-AS1 (FLNC antisense RNA 1; minus strand). Cytogenetic location: 7q32.1.
Variant type: single nucleotide variant.
Coding change: c.6574G>A on transcript NM_001458.5 (MANE Select); coding-DNA position 6574, G replaced by A.
Protein change: p.Glu2192Lys; replaces glutamic acid 2192 with lysine.
Molecular consequence: missense variant.
Genome position (GRCh38, 1-based): chr7:128,854,063, G>A. VCF-style: chr7-128854063-G-A. GRCh37 (hg19) VCF-style: chr7-128494117-G-A.
Other names: c.6475G>A, p.Glu2159Lys (NM_001127487.2); short protein forms E2192K, E2159K.
Identifiers: ClinVar variation 2953353 (VCV002953353.3), dbSNP rs2536663749, ClinGen allele CA369212846.